The following is an entry in ClinVar:

ClinVar aggregate classification (germline): Conflicting classifications of pathogenicity. Review status: criteria provided, conflicting classifications (1 of 4 stars). 4 submissions from 4 submitters: Uncertain significance (3); Likely benign (1). Last evaluated 2025-07-30.

Conditions:
Lynch syndrome 4 (LYNCH4). Also called: Colorectal cancer, hereditary nonpolyposis, type 4; Hereditary non-polyposis colorectal cancer, type 4. Identifiers: Orphanet 144, MedGen C1838333, MONDO:0013699, OMIM 614337. Disease mechanism: loss of function.
Hereditary nonpolyposis colorectal neoplasms. Identifiers: MedGen C0009405, MeSH D003123.
Hereditary cancer-predisposing syndrome. Also called: Hereditary Cancer Syndrome; Neoplastic Syndromes, Hereditary; Tumor predisposition; Hereditary neoplastic syndrome. Identifiers: Orphanet 140162, MedGen C0027672, MeSH D009386, MONDO:0015356.

Submissions (4):

Labcorp Genetics (formerly Invitae), Labcorp
Classification: Likely benign for Hereditary nonpolyposis colorectal neoplasms. Last evaluated: 2025-07-30. Review status: criteria provided, single submitter. Criteria: Invitae Variant Classification Sherloc (09022015). Collection method: clinical testing. Allele origin: germline.

Baylor Genetics
Classification: Uncertain significance for Lynch syndrome 4. Last evaluated: 2021-05-13. Review status: criteria provided, single submitter. Criteria: ACMG Guidelines, 2015. Collection method: clinical testing. Allele origin: unknown.

Ambry Genetics
Classification: Uncertain significance for Hereditary cancer-predisposing syndrome. Last evaluated: 2021-03-11. Review status: criteria provided, single submitter. Criteria: Ambry Variant Classification Scheme 2023. Collection method: clinical testing. Allele origin: germline.
Comment: The c.250+4A>G intronic variant results from an A to G substitution 4 nucleotides after coding exon 3 in the PMS2 gene. This nucleotide position is highly conserved in available vertebrate species. In silico splice site analysis predicts that this alteration will not have any significant effect on splicing; however, direct evidence is insufficient at this time (Ambry internal data). Since supporting evidence is limited at this time, the clinical significance of this alteration remains unclear.

Color Diagnostics, LLC DBA Color Health
Classification: Uncertain significance for Hereditary cancer-predisposing syndrome. Last evaluated: 2019-02-27. Review status: criteria provided, single submitter. Criteria: ACMG Guidelines, 2015. Collection method: clinical testing. Allele origin: germline.

NM_000535.7(PMS2):c.250+4A>G

Gene: PMS2 (PMS1 homolog 2, mismatch repair system component; minus strand). Cytogenetic location: 7p22.1.
Variant type: single nucleotide variant.
Coding change: c.250+4A>G on transcript NM_000535.7 (MANE Select); 4 bases into the intron after coding-DNA position 250, A replaced by G.
Molecular consequence: intron variant.
Genome position (GRCh38, 1-based): chr7:6,003,968, T>C on the plus strand (A>G on the coding strand, the complement: PMS2 is on the minus strand). VCF-style: chr7-6003968-T-C. GRCh37 (hg19) VCF-style: chr7-6043599-T-C.
Other names: c.35+4A>G (NM_001322008.2, NM_001322007.2); c.-156+4A>G (NM_001322010.2, NM_001322004.2, NM_001322013.2 and 3 more transcripts); c.-635+4A>G (NM_001322012.2, NM_001322011.2); c.-235+4A>G (NM_001322015.2); c.250+4A>G (NM_001322006.2, NM_001322014.2).
Identifiers: ClinVar variation 490100 (VCV000490100.14), dbSNP rs1554304934, ClinGen allele CA453648372.